The following is an entry in ClinVar:

ClinVar aggregate classification (germline): Uncertain significance. Review status: criteria provided, multiple submitters, no conflicts (2 of 4 stars). 3 submissions from 3 submitters: Uncertain significance (3). Last evaluated 2024-12-02.

Conditions:
Autosomal recessive Alport syndrome (ATS2). Also called: Alport syndrome type 2; COL4A3-Related Nephropathy; ALPORT SYNDROME 2, AUTOSOMAL RECESSIVE; COL4A4 Alport Syndrome and Thin Basement Membrane Nephropathy. Identifiers: Orphanet 63, Orphanet 88919, MedGen C4746745, MONDO:0008762, OMIM 203780.
Benign familial hematuria. Also called: thin basement membrane disease. Identifiers: MedGen C0241908, MONDO:0957317.

Submissions (3):

GeneDx
Classification: Uncertain significance. Last evaluated: 2024-12-02. Review status: criteria provided, single submitter. Criteria: GeneDx Variant Classification Process June 2021. Collection method: clinical testing. Allele origin: germline. Affected: yes.
Comment: Not observed at significant frequency in large population cohorts (gnomAD); In silico analysis supports that this missense variant has a deleterious effect on protein structure/function; Has not been previously published as pathogenic or benign to our knowledge

Labcorp Genetics (formerly Invitae), Labcorp
Classification: Uncertain significance. Last evaluated: 2022-08-15. Review status: criteria provided, single submitter. Criteria: Invitae Variant Classification Sherloc (09022015). Collection method: clinical testing. Allele origin: germline.
Comment: In summary, the available evidence is currently insufficient to determine the role of this variant in disease. Therefore, it has been classified as a Variant of Uncertain Significance. This sequence change replaces proline, which is neutral and non-polar, with threonine, which is neutral and polar, at codon 441 of the COL4A4 protein (p.Pro441Thr). This variant is not present in population databases (gnomAD no frequency). This variant has not been reported in the literature in individuals affected with COL4A4-related conditions. ClinVar contains an entry for this variant (Variation ID: 1491115). Advanced modeling of protein sequence and biophysical properties (such as structural, functional, and spatial information, amino acid conservation, physicochemical variation, residue mobility, and thermodynamic stability) performed at Invitae indicates that this missense variant is not expected to disrupt COL4A4 protein function.

Fulgent Genetics
Classification: Uncertain significance for Hematuria, benign familial, 1; Autosomal recessive Alport syndrome. Last evaluated: 2021-09-28. Review status: criteria provided, single submitter. Criteria: ACMG Guidelines, 2015. Collection method: clinical testing. Allele origin: unknown.

NM_000092.5(COL4A4):c.1321C>A (p.Pro441Thr)

Gene: COL4A4 (collagen type IV alpha 4 chain; minus strand). Cytogenetic location: 2q36.3.
Variant type: single nucleotide variant.
Coding change: c.1321C>A on transcript NM_000092.5 (MANE Select); coding-DNA position 1321, C replaced by A.
Protein change: p.Pro441Thr; replaces proline 441 with threonine.
Molecular consequence: missense variant.
Genome position (GRCh38, 1-based): chr2:227,094,173, G>T on the plus strand (C>A on the coding strand, the complement: COL4A4 is on the minus strand). VCF-style: chr2-227094173-G-T. GRCh37 (hg19) VCF-style: chr2-227958889-G-T.
Other names: c.1321C>A (NM_000092.4); short protein forms P441T.
Identifiers: ClinVar variation 1491115 (VCV001491115.10), dbSNP rs2150686207, ClinGen allele CA350852283.